The following is an entry in ClinVar:

ClinVar aggregate classification (germline): Uncertain significance (1 of 4 stars; one submission).

Conditions:
Hereditary cancer-predisposing syndrome. Also called: Neoplastic Syndromes, Hereditary; Tumor predisposition; Hereditary Cancer Syndrome; Hereditary neoplastic syndrome. Identifiers: Orphanet 140162, MedGen C0027672, MeSH D009386, MONDO:0015356.

Submission:

Ambry Genetics
Classification: Uncertain significance for Hereditary cancer-predisposing syndrome. Last evaluated: 2025-08-13. Review status: criteria provided, single submitter. Criteria: Ambry Variant Classification Scheme 2023. Collection method: clinical testing. Allele origin: germline.
Comment: The p.S1135C variant (also known as c.3404C>G), located in coding exon 23 of the ATM gene, results from a C to G substitution at nucleotide position 3404. The serine at codon 1135 is replaced by cysteine, an amino acid with dissimilar properties. This amino acid position is conserved. In addition, this alteration is predicted to be tolerated by in silico analysis. Based on the available evidence, the clinical significance of this variant remains unclear.

NM_000051.4(ATM):c.3404C>G (p.Ser1135Cys)

Gene: ATM (ATM serine/threonine kinase; plus strand). Cytogenetic location: 11q22.3.
Variant type: single nucleotide variant.
Coding change: c.3404C>G on transcript NM_000051.4 (MANE Select); coding-DNA position 3404, C replaced by G.
Protein change: p.Ser1135Cys; replaces serine 1135 with cysteine.
Molecular consequence: missense variant.
Genome position (GRCh38, 1-based): chr11:108,280,996, C>G. VCF-style: chr11-108280996-C-G. GRCh37 (hg19) VCF-style: chr11-108151723-C-G.
Other names: c.3404C>G, p.Ser1135Cys (NM_001351834.2); short protein forms S1135C.
Identifiers: ClinVar variation 4170029 (VCV004170029.1).